The following is an entry in ClinVar:

ClinVar aggregate classification (germline): Likely benign (0 of 4 stars; one submission).

Conditions:
PDZD2-related disorder. Also called: PDZD2-related condition.

Allele frequency attached by ClinVar (database versions not stated): 1000 Genomes Project 0.00100; TOPMed 0.00117; 1000 Genomes Project 30x 0.00125; gnomAD 0.00143; ExAC 0.00170; ESP Exome Variant Server 0.00231.
gnomAD v4.1: 2,744 of 1,614,246 alleles (0.17%); highest among the groups gnomAD compares: Non-Finnish European, 0.18%; 4 homozygotes.

Submission:

PreventionGenetics, part of Exact Sciences
Classification: Likely benign for PDZD2-related condition. Last evaluated: 2022-02-11. Review status: no assertion criteria provided. Collection method: clinical testing. Allele origin: germline.
Comment: This variant is classified as likely benign based on ACMG/AMP sequence variant interpretation guidelines (Richards et al. 2015 PMID: 25741868, with internal and published modifications).

NM_178140.4(PDZD2):c.3361G>A (p.Val1121Met)

Gene: PDZD2 (PDZ domain containing 2; plus strand). Cytogenetic location: 5p13.3.
Variant type: single nucleotide variant.
Coding change: c.3361G>A on transcript NM_178140.4 (MANE Select); coding-DNA position 3361, G replaced by A.
Protein change: p.Val1121Met; replaces valine 1121 with methionine.
Molecular consequence: missense variant.
Genome position (GRCh38, 1-based): chr5:32,074,467, G>A. VCF-style: chr5-32074467-G-A. GRCh37 (hg19) VCF-style: chr5-32074573-G-A.
Other names: short protein forms V1121M.
Identifiers: ClinVar variation 3037558 (VCV003037558.2), dbSNP rs149535005, ClinGen allele CA3219446.